The following is an entry in ClinVar:

ClinVar aggregate classification (germline): Pathogenic/Likely pathogenic. Review status: criteria provided, multiple submitters, no conflicts (2 of 4 stars). 2 submissions from 2 submitters: Pathogenic (1); Likely pathogenic (1). Last evaluated 2024-06-10.

Conditions:
SLC12A3-related disorder. Also called: SLC12A3-related condition.

Allele frequency attached by ClinVar (database versions not stated): ExAC 0.00005.

Submissions (2):

Blueprint Genetics
Classification: Pathogenic for SLC12A3-related disorders. Last evaluated: 2024-06-10. Review status: criteria provided, single submitter. Criteria: ACMG Guidelines, 2015. Collection method: clinical testing. Allele origin: germline. Affected: yes. Observed: 5 variant alleles.

Labcorp Genetics (formerly Invitae), Labcorp
Classification: Likely pathogenic. Last evaluated: 2023-07-19. Review status: criteria provided, single submitter. Criteria: Invitae Variant Classification Sherloc (09022015). Collection method: clinical testing. Allele origin: germline.
Comment: In summary, the currently available evidence indicates that the variant is pathogenic, but additional data are needed to prove that conclusively. Therefore, this variant has been classified as Likely Pathogenic. This variant disrupts the p.Asp62 amino acid residue in SLC12A3. Other variant(s) that disrupt this residue have been determined to be pathogenic (PMID: 8900229, 22934535; Invitae). This suggests that this residue is clinically significant, and that variants that disrupt this residue are likely to be disease-causing. Advanced modeling of protein sequence and biophysical properties (such as structural, functional, and spatial information, amino acid conservation, physicochemical variation, residue mobility, and thermodynamic stability) performed at Invitae indicates that this missense variant is expected to disrupt SLC12A3 protein function. ClinVar contains an entry for this variant (Variation ID: 2137813). This missense change has been observed in individual(s) with Gitelman's syndrome (PMID: 22009145). This variant is present in population databases (rs757490496, gnomAD 0.05%). This sequence change replaces aspartic acid, which is acidic and polar, with histidine, which is basic and polar, at codon 62 of the SLC12A3 protein (p.Asp62His).

Literature cited by the submitters: PubMed 8900229 (cited by Labcorp Genetics (formerly Invitae), Labcorp); PubMed 22934535 (cited by Labcorp Genetics (formerly Invitae), Labcorp); PubMed 22009145 (cited by Labcorp Genetics (formerly Invitae), Labcorp).

NM_001126108.2(SLC12A3):c.184G>C (p.Asp62His)

Gene: SLC12A3 (solute carrier family 12 member 3; plus strand). Cytogenetic location: 16q13.
Variant type: single nucleotide variant.
Coding change: c.184G>C on transcript NM_001126108.2 (MANE Select); coding-DNA position 184, G replaced by C.
Protein change: p.Asp62His; replaces aspartic acid 62 with histidine.
Molecular consequence: missense variant.
Genome position (GRCh38, 1-based): chr16:56,865,419, G>C. VCF-style: chr16-56865419-G-C. GRCh37 (hg19) VCF-style: chr16-56899331-G-C.
Other names: c.184G>C, p.Asp62His (NM_000339.3, NM_001126107.2, NM_001410896.1); short protein forms D62H.
Identifiers: ClinVar variation 2137813 (VCV002137813.5), dbSNP rs757490496, ClinGen allele CA8068932.